The following is an entry in ClinVar:

ClinVar aggregate classification (germline): Uncertain significance. Review status: criteria provided, multiple submitters, no conflicts (2 of 4 stars). 2 submissions from 2 submitters: Uncertain significance (2). Last evaluated 2025-03-24.

Conditions:
Glycine encephalopathy. Also called: Non-ketotic hyperglycinemia; Nonketotic hyperglycinemia. Identifiers: Orphanet 407, MedGen C0751748, MONDO:0011612, HP:0008288.
Inborn genetic diseases. Identifiers: MedGen C0950123, MeSH D030342.

Allele frequency attached by ClinVar (database versions not stated): gnomAD 0.00001; TOPMed 0.00002.

Submissions (2):

Ambry Genetics
Classification: Uncertain significance for Inborn genetic diseases. Last evaluated: 2025-03-24. Review status: criteria provided, single submitter. Criteria: Ambry Variant Classification Scheme 2023. Collection method: clinical testing. Allele origin: germline.

Labcorp Genetics (formerly Invitae), Labcorp
Classification: Uncertain significance for Glycine encephalopathy. Last evaluated: 2020-10-09. Review status: criteria provided, single submitter. Criteria: Invitae Variant Classification Sherloc (09022015). Collection method: clinical testing. Allele origin: germline.
Comment: In summary, the available evidence is currently insufficient to determine the role of this variant in disease. Therefore, it has been classified as a Variant of Uncertain Significance. Algorithms developed to predict the effect of missense changes on protein structure and function are either unavailable or do not agree on the potential impact of this missense change (SIFT: "Deleterious"; PolyPhen-2: "Benign"; Align-GVGD: "Class C0"). This variant has not been reported in the literature in individuals with GCSH-related conditions. The frequency data for this variant in the population databases is considered unreliable, as metrics indicate insufficient coverage at this position in the ExAC database. This sequence change replaces arginine with tryptophan at codon 7 of the GCSH protein (p.Arg7Trp). The arginine residue is weakly conserved and there is a moderate physicochemical difference between arginine and tryptophan.

NM_004483.5(GCSH):c.19C>T (p.Arg7Trp)

Genes: GCSH (glycine cleavage system protein H; minus strand), LOC130059495 (ATAC-STARR-seq lymphoblastoid silent region 7751; plus strand). Cytogenetic location: 16q23.2.
Variant type: single nucleotide variant.
Coding change: c.19C>T on transcript NM_004483.5 (MANE Select); coding-DNA position 19, C replaced by T.
Protein change: p.Arg7Trp; replaces arginine 7 with tryptophan.
Molecular consequence: missense variant. On other transcripts: non-coding transcript variant (1).
Genome position (GRCh38, 1-based): chr16:81,096,260, G>A on the plus strand (C>T on the coding strand, the complement: GCSH is on the minus strand). VCF-style: chr16-81096260-G-A. GRCh37 (hg19) VCF-style: chr16-81129865-G-A.
Other names: c.19C>T (NM_004483.4); short protein forms R7W.
Identifiers: ClinVar variation 1004518 (VCV001004518.10), dbSNP rs976425490, ClinGen allele CA284249722.